The following is an entry in ClinVar:

ClinVar aggregate classification (germline): Conflicting classifications of pathogenicity. Review status: criteria provided, conflicting classifications (1 of 4 stars). 3 submissions from 3 submitters: Uncertain significance (2); Likely benign (1). Last evaluated 2025-04-21.

Conditions:
Shashi-Pena syndrome (SHAPNS). Identifiers: Orphanet 689408, MedGen C4310672, MONDO:0014963, OMIM 617190.

Allele frequency attached by ClinVar (database versions not stated): ExAC 0.00004; gnomAD exomes 0.00006; TOPMed 0.00006; ESP Exome Variant Server 0.00008; gnomAD 0.00011.
gnomAD v4.1: 94 of 1,612,434 alleles (0.0058%); highest among the groups gnomAD compares: Non-Finnish European, 0.0075%; no homozygotes.

Submissions (3):

Labcorp Genetics (formerly Invitae), Labcorp
Classification: Uncertain significance. Last evaluated: 2025-04-21. Review status: criteria provided, single submitter. Criteria: Invitae Variant Classification Sherloc (09022015). Collection method: clinical testing. Allele origin: germline.
Comment: This sequence change falls in intron 9 of the ASXL2 gene. It does not directly change the encoded amino acid sequence of the ASXL2 protein. It affects a nucleotide within the consensus splice site. This variant is present in population databases (rs376353446, gnomAD 0.008%). This variant has not been reported in the literature in individuals affected with ASXL2-related conditions. ClinVar contains an entry for this variant (Variation ID: 2146940). Variants that disrupt the consensus splice site are a relatively common cause of aberrant splicing (PMID: 17576681, 9536098). Algorithms developed to predict the effect of sequence changes on RNA splicing suggest that this variant is not likely to affect RNA splicing. In summary, the available evidence is currently insufficient to determine the role of this variant in disease. Therefore, it has been classified as a Variant of Uncertain Significance.

Blueprint Genetics
Classification: Likely benign. Last evaluated: 2024-08-01. Review status: criteria provided, single submitter. Criteria: ACMG Guidelines, 2015. Collection method: clinical testing. Allele origin: germline.

Department of Pathology and Laboratory Medicine, Sinai Health System
Classification: Uncertain significance for Shashi-Pena syndrome. Last evaluated: 2023-02-07. Review status: criteria provided, single submitter. Criteria: ACMG Guidelines, 2015. Collection method: research. Allele origin: germline.

Literature cited by the submitters: PubMed 17576681 (cited by Labcorp Genetics (formerly Invitae), Labcorp); PubMed 9536098 (cited by Labcorp Genetics (formerly Invitae), Labcorp).

NM_018263.6(ASXL2):c.939+4C>T

Gene: ASXL2 (ASXL transcriptional regulator 2; minus strand). Cytogenetic location: 2p23.3.
Variant type: single nucleotide variant.
Coding change: c.939+4C>T on transcript NM_018263.6 (MANE Select); 4 bases into the intron after coding-DNA position 939, C replaced by T.
Molecular consequence: intron variant.
Genome position (GRCh38, 1-based): chr2:25,759,478, G>A on the plus strand (C>T on the coding strand, the complement: ASXL2 is on the minus strand). VCF-style: chr2-25759478-G-A. GRCh37 (hg19) VCF-style: chr2-25982347-G-A.
Other names: c.765+4C>T (NM_001369346.1); c.159+4C>T (NM_001369347.1).
Identifiers: ClinVar variation 2146940 (VCV002146940.6), dbSNP rs376353446, ClinGen allele CA1557931.